The following is an entry in ClinVar:

ClinVar aggregate classification (germline): Pathogenic/Likely pathogenic. Review status: criteria provided, multiple submitters, no conflicts (2 of 4 stars). 2 submissions from 2 submitters: Pathogenic (1); Likely pathogenic (1). Last evaluated 2026-01-04.

Conditions:
TTLL5-related disorder. Also called: TTLL5-related condition.

Submissions (2):

Labcorp Genetics (formerly Invitae), Labcorp
Classification: Pathogenic. Last evaluated: 2026-01-04. Review status: criteria provided, single submitter. Criteria: Invitae Variant Classification Sherloc (09022015). Collection method: clinical testing. Allele origin: germline.
Comment: This sequence change creates a premature translational stop signal (p.Val190Argfs*23) in the TTLL5 gene. It is expected to result in an absent or disrupted protein product. Loss-of-function variants in TTLL5 are known to be pathogenic (PMID: 24791901, 27162334). This variant is not present in population databases (gnomAD no frequency). This variant has not been reported in the literature in individuals affected with TTLL5-related conditions. For these reasons, this variant has been classified as Pathogenic.

Blueprint Genetics
Classification: Likely pathogenic for TTLL5-related disorders. Last evaluated: 2021-12-14. Review status: criteria provided, single submitter. Criteria: ACMG Guidelines, 2015. Collection method: clinical testing. Allele origin: germline. Affected: yes. Observed: 1 variant allele.

Literature cited by the submitters: PubMed 24791901 (cited by Labcorp Genetics (formerly Invitae), Labcorp); PubMed 27162334 (cited by Labcorp Genetics (formerly Invitae), Labcorp).

NM_015072.5(TTLL5):c.566dup (p.Val190fs)

Gene: TTLL5 (tubulin tyrosine ligase like 5; plus strand). Cytogenetic location: 14q24.3.
Variant type: Duplication.
Coding change: c.566dup on transcript NM_015072.5 (MANE Select); coding-DNA position 566, one base duplicated (G; older notation c.566dupG).
Protein change: p.Val190fs; shifts the reading frame from valine 190.
Molecular consequence: frameshift variant.
Genome position (GRCh38, 1-based): chr14:75,699,251, G duplicated; the last of 4 consecutive G bases (chr14:75,699,248-75,699,251); duplicating any one gives the same sequence. VCF-style (leftmost placement, unchanged base first): chr14-75699247-C-CG. GRCh37 (hg19) VCF-style: chr14-76165590-C-CG.
Other names: short protein forms V190fs.
Identifiers: ClinVar variation 4764321 (VCV004764321.2).